The following is an entry in ClinVar:

NM_001130438.3(SPTAN1):c.7160+10_7160+13del

Gene: SPTAN1 (spectrin alpha, non-erythrocytic 1; plus strand). Cytogenetic location: 9q34.11.
Variant type: Microsatellite.
Coding change: c.7160+10_7160+13del on transcript NM_001130438.3 (MANE Select); bases 10 to 13 of the intron after coding-DNA position 7160, 4 bases deleted (TTAA; older notation c.7160+10_7160+13delTTAA).
Molecular consequence: intron variant.
Genome position (GRCh38, 1-based): chr9:128,632,728-128,632,731, TTAA deleted; deleting any 4 consecutive bases within chr9:128,632,722-128,632,731 gives the same sequence; the c. name uses the placement nearest the transcript's 3' end. VCF-style (leftmost placement, unchanged base first): chr9-128632721-AAATT-A. GRCh37 (hg19) VCF-style: chr9-131395000-AAATT-A.
Other names: c.7160+10_7160+13del (NM_001130438.2, NM_001375311.2); c.7259+10_7259+13del (NM_001375318.1); c.7196+10_7196+13del (NM_001375312.2); c.7100+10_7100+13del (NM_001375314.2, NM_001363765.2); c.7247+10_7247+13del (NM_001375310.1); c.7223+10_7223+13del (NM_001363759.2); c.7142+10_7142+13del (NM_001375313.1); c.7145+10_7145+13del (NM_003127.4); and 1 more.
Identifiers: ClinVar variation 365181 (VCV000365181.43), dbSNP rs554161838, ClinGen allele CA5266015.

ClinVar aggregate classification (germline): Benign/Likely benign. Review status: criteria provided, multiple submitters, no conflicts (2 of 4 stars). 5 submissions from 5 submitters: Benign (2); Likely benign (3). Last evaluated 2026-01-28.

Conditions:
Early-infantile DEE. Also called: Ohtahara syndrome; Early infantile epileptic encephalopathy with suppression bursts; Early infantile epileptic encephalopathy. Identifiers: Orphanet 1934, MedGen C0393706, MONDO:0800491.
Developmental and epileptic encephalopathy, 5 (DEE5). Identifiers: Orphanet 3451, MedGen C3150731, MONDO:0013277, OMIM 613477.

Submissions (5):

Labcorp Genetics (formerly Invitae), Labcorp
Classification: Benign for Early-infantile DEE. Last evaluated: 2026-01-28. Review status: criteria provided, single submitter. Criteria: Invitae Variant Classification Sherloc (09022015). Collection method: clinical testing. Allele origin: germline.

Blueprint Genetics
Classification: Likely benign. Last evaluated: 2024-10-24. Review status: criteria provided, single submitter. Criteria: ACMG Guidelines, 2015. Collection method: clinical testing. Allele origin: germline.

CeGaT Center for Human Genetics Tuebingen
Classification: Likely benign. Last evaluated: 2024-03-01. Review status: criteria provided, single submitter. Criteria: CeGaT Center For Human Genetics Tuebingen Variant Classification Criteria Version 2. Collection method: clinical testing. Allele origin: germline. Affected: yes. Observed: 4 variant alleles.
Comment: SPTAN1: BS1

Genome-Nilou Lab
Classification: Benign for Developmental and epileptic encephalopathy, 5. Last evaluated: 2021-07-15. Review status: criteria provided, single submitter. Criteria: ACMG Guidelines, 2015. Collection method: clinical testing. Allele origin: germline. Affected: no.

GeneDx
Classification: Likely benign. Last evaluated: 2017-04-20. Review status: criteria provided, single submitter. Criteria: GeneDx Variant Classification (06012015). Collection method: clinical testing. Allele origin: germline. Affected: yes.
Comment: This variant is considered likely benign or benign based on one or more of the following criteria: it is a conservative change, it occurs at a poorly conserved position in the protein, it is predicted to be benign by multiple in silico algorithms, and/or has population frequency not consistent with disease.